The following is an entry in ClinVar:

NM_015512.5(DNAH1):c.8099C>G (p.Ala2700Gly)

Gene: DNAH1 (dynein axonemal heavy chain 1; plus strand). Cytogenetic location: 3p21.1.
Variant type: single nucleotide variant.
Coding change: c.8099C>G on transcript NM_015512.5 (MANE Select); coding-DNA position 8099, C replaced by G.
Protein change: p.Ala2700Gly; replaces alanine 2700 with glycine.
Molecular consequence: missense variant.
Genome position (GRCh38, 1-based): chr3:52,383,543, C>G. VCF-style: chr3-52383543-C-G. GRCh37 (hg19) VCF-style: chr3-52417559-C-G.
Other names: short protein forms A2700G.
Identifiers: ClinVar variation 663840 (VCV000663840.4), dbSNP rs776888791, ClinGen allele CA2435081.

ClinVar aggregate classification (germline): Uncertain significance. Review status: criteria provided, multiple submitters, no conflicts (2 of 4 stars). 2 submissions from 2 submitters: Uncertain significance (2). Last evaluated 2022-07-05.

Conditions:
Spermatogenic failure 18. Identifiers: MedGen C4539783, MONDO:0054615, OMIM 617576.
Ciliary dyskinesia, primary, 37 (CILD37). Also called: CILIARY DYSKINESIA, PRIMARY, 37, WITH OR WITHOUT SITUS INVERSUS. Identifiers: MedGen C4539798, MONDO:0033204, OMIM 617577.

Allele frequency attached by ClinVar (database versions not stated): gnomAD exomes below 0.00001; TOPMed below 0.00001; ExAC 0.00001.

Submissions (2):

Labcorp Genetics (formerly Invitae), Labcorp
Classification: Uncertain significance for Ciliary dyskinesia, primary, 37; Spermatogenic failure 18. Last evaluated: 2022-07-05. Review status: criteria provided, single submitter. Criteria: Invitae Variant Classification Sherloc (09022015). Collection method: clinical testing. Allele origin: germline.
Comment: This sequence change replaces alanine, which is neutral and non-polar, with glycine, which is neutral and non-polar, at codon 2700 of the DNAH1 protein (p.Ala2700Gly). This variant is present in population databases (rs776888791, gnomAD 0.0009%). This variant has not been reported in the literature in individuals affected with DNAH1-related conditions. ClinVar contains an entry for this variant (Variation ID: 663840). Algorithms developed to predict the effect of missense changes on protein structure and function are either unavailable or do not agree on the potential impact of this missense change (SIFT: "Deleterious"; PolyPhen-2: "Benign"; Align-GVGD: "Class C0"). In summary, the available evidence is currently insufficient to determine the role of this variant in disease. Therefore, it has been classified as a Variant of Uncertain Significance.

Ambry Genetics
Classification: Uncertain significance. Last evaluated: 2022-02-03. Review status: criteria provided, single submitter. Criteria: Ambry Variant Classification Scheme 2023. Collection method: clinical testing. Allele origin: germline.